The following is an entry in ClinVar:

ClinVar aggregate classification (germline): Conflicting classifications of pathogenicity. Review status: criteria provided, conflicting classifications (1 of 4 stars). 5 submissions from 5 submitters: Uncertain significance (3); Likely benign (1). 1 of the submissions does not count toward it. Last evaluated 2023-08-21.

Conditions:
Hyperprolinemia type 2 (HYRPRO2). Also called: Deficiency of pyrroline-5-carboxylate reductase; 1-PYRROLINE-5-CARBOXYLATE DEHYDROGENASE DEFICIENCY; Delta-1-pyrroline-5-carboxylate dehydrogenase deficiency. Identifiers: Orphanet 79101, MedGen C2931835, MONDO:0009401, OMIM 239510.
Intellectual disability. Also called: Intellectual functioning disability; intellectual disabilities; Intellectual developmental disorder. Identifiers: MedGen C3714756, MeSH D008607, MONDO:0001071, HP:0001249.

Allele frequency attached by ClinVar (database versions not stated): 1000 Genomes Project 30x 0.00016; 1000 Genomes Project 0.00020; gnomAD exomes 0.00052 and 0.00086; ESP Exome Variant Server 0.00054; TOPMed 0.00058; gnomAD 0.00060 and 0.00065; ExAC 0.00066.

Submissions (5):

Labcorp Genetics (formerly Invitae), Labcorp
Classification: Uncertain significance for Hyperprolinemia type 2. Last evaluated: 2023-08-21. Review status: criteria provided, single submitter. Criteria: Invitae Variant Classification Sherloc (09022015). Collection method: clinical testing. Allele origin: germline.
Comment: This sequence change replaces aspartic acid, which is acidic and polar, with glutamic acid, which is acidic and polar, at codon 123 of the ALDH4A1 protein (p.Asp123Glu). This variant is present in population databases (rs147600006, gnomAD 0.1%), and has an allele count higher than expected for a pathogenic variant. This variant has not been reported in the literature in individuals affected with ALDH4A1-related conditions. ClinVar contains an entry for this variant (Variation ID: 294392). An algorithm developed to predict the effect of missense changes on protein structure and function (PolyPhen-2) suggests that this variant¬†is likely to be tolerated. In summary, the available evidence is currently insufficient to determine the role of this variant in disease. Therefore, it has been classified as a Variant of Uncertain Significance.

CeGaT Center for Human Genetics Tuebingen
Classification: Likely benign. Last evaluated: 2022-07-01. Review status: criteria provided, single submitter. Criteria: CeGaT Center For Human Genetics Tuebingen Variant Classification Criteria Version 2. Collection method: clinical testing. Allele origin: germline. Affected: yes. Observed: 1 variant allele.
Comment: ALDH4A1: BP4

Illumina Laboratory Services, Illumina
Classification: Uncertain significance for Hyperprolinemia type 2. Last evaluated: 2018-01-13. Review status: criteria provided, single submitter. Criteria: ICSL Variant Classification Criteria 13 December 2019. Collection method: clinical testing. Allele origin: germline.

Breakthrough Genomics
Classification: Uncertain significance. Review status: criteria provided, single submitter. Criteria: ACMG Guidelines, 2015. Collection method: not provided. Allele origin: germline. Inheritance: Autosomal recessive inheritance. Affected: yes.

Centre de Biologie Pathologie Génétique, Centre Hospitalier Universitaire de Lille
Classification: Uncertain significance for Intellectual disability. Last evaluated: 2019-01-01. Review status: no assertion criteria provided. Collection method: clinical testing. Allele origin: unknown. Affected: yes. Not counted in ClinVar's aggregate classification.

NM_003748.4(ALDH4A1):c.369C>G (p.Asp123Glu)

Gene: ALDH4A1 (aldehyde dehydrogenase 4 family member A1; minus strand). Cytogenetic location: 1p36.13.
Variant type: single nucleotide variant.
Coding change: c.369C>G on transcript NM_003748.4 (MANE Select); coding-DNA position 369, C replaced by G.
Protein change: p.Asp123Glu; replaces aspartic acid 123 with glutamic acid.
Molecular consequence: missense variant.
Genome position (GRCh38, 1-based): chr1:18,885,557, G>C on the plus strand (C>G on the coding strand, the complement: ALDH4A1 is on the minus strand). VCF-style: chr1-18885557-G-C. GRCh37 (hg19) VCF-style: chr1-19212051-G-C.
Other names: c.189C>G, p.Asp63Glu (NM_001161504.2); c.369C>G, p.Asp123Glu (NM_001319218.2, NM_170726.3); short protein forms D123E, D63E.
Identifiers: ClinVar variation 294392 (VCV000294392.35), dbSNP rs147600006, ClinGen allele CA647386.